The following is an entry in ClinVar:

ClinVar aggregate classification (germline): Uncertain significance (1 of 4 stars; one submission).

Conditions:
Duchenne muscular dystrophy (DMD). Also called: MUSCULAR DYSTROPHY, PSEUDOHYPERTROPHIC PROGRESSIVE, DUCHENNE TYPE; Duchenne Muscular Dystrophy (DMD). Identifiers: Orphanet 98896, MedGen C0013264, MONDO:0010679, OMIM 310200.

Allele frequency attached by ClinVar (database versions not stated): gnomAD exomes below 0.00001; TOPMed 0.00001.
gnomAD v4.1: 1 of 1,210,753 alleles (0.000083%); highest among the groups gnomAD compares: Admixed American, 0.0022%; no homozygotes.

Submission:

Labcorp Genetics (formerly Invitae), Labcorp
Classification: Uncertain significance for Duchenne muscular dystrophy. Last evaluated: 2025-01-15. Review status: criteria provided, single submitter. Criteria: Invitae Variant Classification Sherloc (09022015). Collection method: clinical testing. Allele origin: germline.
Comment: This sequence change replaces alanine, which is neutral and non-polar, with serine, which is neutral and polar, at codon 2546 of the DMD protein (p.Ala2546Ser). This variant is not present in population databases (gnomAD no frequency). This variant has not been reported in the literature in individuals affected with DMD-related conditions. ClinVar contains an entry for this variant (Variation ID: 2042326). Invitae Evidence Modeling of protein sequence and biophysical properties (such as structural, functional, and spatial information, amino acid conservation, physicochemical variation, residue mobility, and thermodynamic stability) indicates that this missense variant is not expected to disrupt DMD protein function with a negative predictive value of 95%. In summary, the available evidence is currently insufficient to determine the role of this variant in disease. Therefore, it has been classified as a Variant of Uncertain Significance.

NM_004006.3(DMD):c.7636G>T (p.Ala2546Ser)

Gene: DMD (dystrophin; minus strand). Cytogenetic location: Xp21.1.
Variant type: single nucleotide variant.
Coding change: c.7636G>T on transcript NM_004006.3 (MANE Select); coding-DNA position 7636, G replaced by T.
Protein change: p.Ala2546Ser; replaces alanine 2546 with serine.
Molecular consequence: missense variant.
Genome position (GRCh38, 1-based): chrX:31,729,655, C>A on the plus strand (G>T on the coding strand, the complement: DMD is on the minus strand). VCF-style: chrX-31729655-C-A. GRCh37 (hg19) VCF-style: chrX-31747772-C-A.
Other names: c.7612G>T, p.Ala2538Ser (NM_000109.4); c.7624G>T, p.Ala2542Ser (NM_004009.3); c.7267G>T, p.Ala2423Ser (NM_004010.3); c.3613G>T, p.Ala1205Ser (NM_004011.4); c.3604G>T, p.Ala1202Ser (NM_004012.4); c.256G>T, p.Ala86Ser (NM_004013.3, NM_004020.4, NM_004021.3 and 2 more transcripts); short protein forms A2538S, A2423S, A2542S, A2546S, A86S, A1205S, A1202S.
Identifiers: ClinVar variation 2042326 (VCV002042326.3), dbSNP rs1368936548, ClinGen allele CA412657517.